The following is an entry in ClinVar:

NM_022168.4(IFIH1):c.617A>G (p.Asn206Ser)

Gene: IFIH1 (interferon induced with helicase C domain 1; minus strand). Cytogenetic location: 2q24.2.
Variant type: single nucleotide variant.
Coding change: c.617A>G on transcript NM_022168.4 (MANE Select); coding-DNA position 617, A replaced by G.
Protein change: p.Asn206Ser; replaces asparagine 206 with serine.
Molecular consequence: missense variant.
Genome position (GRCh38, 1-based): chr2:162,310,770, T>C on the plus strand (A>G on the coding strand, the complement: IFIH1 is on the minus strand). VCF-style: chr2-162310770-T-C. GRCh37 (hg19) VCF-style: chr2-163167280-T-C.
Other names: short protein forms N206S.
Identifiers: ClinVar variation 1906775 (VCV001906775.5), dbSNP rs1683372564, ClinGen allele CA349010473.
Genomic context (GRCh38, chr2:162,310,770, plus strand): 5'-ATTCTCAATCACTAGGCAGAATTTGAAGAATCTTCCTCAGTAAAATTACAAATACCTGCA[T>C]TGCTTTCTGAGCAATCAGAGCCTGTTAACTCTTGGACAAGTTCATTGTTTCCTGTTTGAC-3'
Protein context (NP_071451.2, residues 196-216): ELTGSDCSES[Asn206Ser]AEIENLSQVD

ClinVar aggregate classification (germline): Uncertain significance (1 of 4 stars; one submission).

Conditions:
Singleton-Merten syndrome 1 (SGMRT1). Also called: Widened medullary cavities of bone, aortic calcification, abnormal dentition, and muscular weakness; Syndrome of widened medullary cavities of the metacarpals and phalanges, aortic calcification and abnormal dentition. Identifiers: Orphanet 85191, MedGen C4225427, MONDO:0024535, OMIM 182250.
Aicardi-Goutieres syndrome 7 (AGS7). Identifiers: Orphanet 51, MedGen C3888244, MONDO:0014367, OMIM 615846.

Allele frequency attached by ClinVar (database versions not stated): gnomAD exomes below 0.00001.
gnomAD v4.1: 1 of 1,613,312 alleles (0.000062%); highest among the groups gnomAD compares: Non-Finnish European, 0.000085%; no homozygotes.

Submission:

Labcorp Genetics (formerly Invitae), Labcorp
Classification: Uncertain significance for Aicardi-Goutieres syndrome 7; Singleton-Merten syndrome 1. Last evaluated: 2025-03-03. Review status: criteria provided, single submitter. Criteria: Invitae Variant Classification Sherloc (09022015). Collection method: clinical testing. Allele origin: germline.
Comment: This sequence change replaces asparagine, which is neutral and polar, with serine, which is neutral and polar, at codon 206 of the IFIH1 protein (p.Asn206Ser). This variant is not present in population databases (gnomAD no frequency). This variant has not been reported in the literature in individuals affected with IFIH1-related conditions. ClinVar contains an entry for this variant (Variation ID: 1906775). An algorithm developed to predict the effect of missense changes on protein structure and function outputs the following: PolyPhen-2: "Benign". The serine amino acid residue is found in multiple mammalian species, which suggests that this missense change does not adversely affect protein function. In summary, the available evidence is currently insufficient to determine the role of this variant in disease. Therefore, it has been classified as a Variant of Uncertain Significance.